The following is an entry in ClinVar:

ClinVar aggregate classification (germline): Uncertain significance (1 of 4 stars; one submission).

Allele frequency attached by ClinVar (database versions not stated): gnomAD 0.00002 and 0.00006; TOPMed 0.00003; gnomAD exomes 0.00004 and 0.00010; ExAC 0.00009; 1000 Genomes Project 30x 0.00016; 1000 Genomes Project 0.00020.
gnomAD v4.1: 76 of 1,613,722 alleles (0.0047%); highest among the groups gnomAD compares: South Asian, 0.055%; no homozygotes.

Submission:

Labcorp Genetics (formerly Invitae), Labcorp
Classification: Uncertain significance. Last evaluated: 2023-07-17. Review status: criteria provided, single submitter. Criteria: Invitae Variant Classification Sherloc (09022015). Collection method: clinical testing. Allele origin: germline.
Comment: This sequence change replaces arginine, which is basic and polar, with glutamine, which is neutral and polar, at codon 517 of the EFL1 protein (p.Arg517Gln). This variant is present in population databases (rs534562324, gnomAD 0.07%). This variant has not been reported in the literature in individuals affected with EFL1-related conditions. ClinVar contains an entry for this variant (Variation ID: 1366428). Advanced modeling of protein sequence and biophysical properties (such as structural, functional, and spatial information, amino acid conservation, physicochemical variation, residue mobility, and thermodynamic stability) performed at Invitae indicates that this missense variant is not expected to disrupt EFL1 protein function. In summary, the available evidence is currently insufficient to determine the role of this variant in disease. Therefore, it has been classified as a Variant of Uncertain Significance.

NM_024580.6(EFL1):c.1550G>A (p.Arg517Gln)

Gene: EFL1 (elongation factor like GTPase 1; minus strand). Cytogenetic location: 15q25.2.
Variant type: single nucleotide variant.
Coding change: c.1550G>A on transcript NM_024580.6 (MANE Select); coding-DNA position 1550, G replaced by A.
Protein change: p.Arg517Gln; replaces arginine 517 with glutamine.
Molecular consequence: missense variant. On other transcripts: non-coding transcript variant (1).
Genome position (GRCh38, 1-based): chr15:82,219,713, C>T on the plus strand (G>A on the coding strand, the complement: EFL1 is on the minus strand). VCF-style: chr15-82219713-C-T. GRCh37 (hg19) VCF-style: chr15-82512054-C-T.
Other names: c.1397G>A, p.Arg466Gln (NM_001040610.3); c.761G>A, p.Arg254Gln (NM_001322844.2); c.1550G>A, p.Arg517Gln (NM_001322845.2); short protein forms R517Q, R254Q, R466Q.
Identifiers: ClinVar variation 1366428 (VCV001366428.6), dbSNP rs534562324, ClinGen allele CA7697948.